The following is an entry in ClinVar:

ClinVar aggregate classification (germline): Uncertain significance (1 of 4 stars; one submission).

Allele frequency attached by ClinVar (database versions not stated): TOPMed 0.00003; gnomAD 0.00005 and 0.00006; ExAC 0.00006; gnomAD exomes 0.00006 and 0.00007.
gnomAD v4.1: 101 of 1,612,590 alleles (0.0063%); highest among the groups gnomAD compares: Non-Finnish European, 0.005%; no homozygotes.

Submission:

Labcorp Genetics (formerly Invitae), Labcorp
Classification: Uncertain significance. Last evaluated: 2025-12-08. Review status: criteria provided, single submitter. Criteria: Invitae Variant Classification Sherloc (09022015). Collection method: clinical testing. Allele origin: germline.
Comment: This sequence change replaces methionine, which is neutral and non-polar, with valine, which is neutral and non-polar, at codon 241 of the CBX2 protein (p.Met241Val). This variant is present in population databases (rs782433834, gnomAD 0.03%). This variant has not been reported in the literature in individuals affected with CBX2-related conditions. ClinVar contains an entry for this variant (Variation ID: 1443715). Invitae Evidence Modeling of protein sequence and biophysical properties (such as structural, functional, and spatial information, amino acid conservation, physicochemical variation, residue mobility, and thermodynamic stability) indicates that this missense variant is not expected to disrupt CBX2 protein function with a negative predictive value of 80%. In summary, the available evidence is currently insufficient to determine the role of this variant in disease. Therefore, it has been classified as a Variant of Uncertain Significance.

NM_005189.3(CBX2):c.721A>G (p.Met241Val)

Gene: CBX2 (chromobox 2; plus strand). Cytogenetic location: 17q25.3.
Variant type: single nucleotide variant.
Coding change: c.721A>G on transcript NM_005189.3 (MANE Select); coding-DNA position 721, A replaced by G.
Protein change: p.Met241Val; replaces methionine 241 with valine.
Molecular consequence: missense variant.
Genome position (GRCh38, 1-based): chr17:79,784,164, A>G. VCF-style: chr17-79784164-A-G. GRCh37 (hg19) VCF-style: chr17-77757963-A-G.
Other names: short protein forms M241V.
Identifiers: ClinVar variation 1443715 (VCV001443715.8), dbSNP rs782433834, ClinGen allele CA8811310.